The following is an entry in ClinVar:

NM_000116.5(TAFAZZIN):c.109+5G>C

Genes: DNASE1L1 (deoxyribonuclease 1 like 1; minus strand), TAFAZZIN (tafazzin, phospholipid-lysophospholipid transacylase; plus strand), LOC130068869 (ATAC-STARR-seq lymphoblastoid silent region 21101; plus strand). Cytogenetic location: Xq28.
Variant type: single nucleotide variant.
Coding change: c.109+5G>C on transcript NM_000116.5 (MANE Select); 5 bases into the intron after coding-DNA position 109, G replaced by C.
Molecular consequence: intron variant. On other transcripts: 5 prime UTR variant (3), missense variant (4).
Genome position (GRCh38, 1-based): chrX:154,411,957, G>C. VCF-style: chrX-154411957-G-C. GRCh37 (hg19) VCF-style: chrX-153640294-G-C.
Other names: IVS1DS, G-C, +5; c.-497C>G (NM_001009932.3); c.-239C>G (NM_001009933.3); c.-154C>G (NM_001009934.3); c.114G>C, p.Glu38Asp (NM_001303465.2, NM_001410698.1, NM_001440856.1 and 1 more transcripts); c.109+5G>C (NM_181312.4, NM_181311.4, NM_181313.4 and 1 more transcripts); short protein forms E38D.
Identifiers: ClinVar variation 11106 (VCV000011106.8), dbSNP rs2148185111, ClinGen allele CA415178782.

ClinVar aggregate classification (germline): Likely pathogenic. Review status: criteria provided, multiple submitters, no conflicts (2 of 4 stars). 3 submissions from 3 submitters: Likely pathogenic (2). 1 of the submissions does not count toward it. Last evaluated 2025-01-15.

Conditions:
3-Methylglutaconic aciduria type 2 (BTHS). Also called: Barth syndrome; CARDIOSKELETAL MYOPATHY WITH NEUTROPENIA AND ABNORMAL MITOCHONDRIA. Identifiers: Orphanet 111, MedGen C0574083, MONDO:0010543, OMIM 302060.

Submissions (3):

GeneDx
Classification: Likely pathogenic. Last evaluated: 2025-01-15. Review status: criteria provided, single submitter. Criteria: GeneDx Variant Classification Process June 2021. Collection method: clinical testing. Allele origin: germline. Affected: yes.
Comment: Identified in patients with Barth syndrome in published literature (PMID: 20651830, 9345098, 1719174); Not observed at significant frequency in large population cohorts (gnomAD); Intronic variant directly or indirectly altering the +5 splice site in a gene for which loss of function is a known mechanism of disease, and splice predictors support a deleterious effect; Also known as c.395+5G>C; This variant is associated with the following publications: (PMID: 9345098, 1719174, 14662265, 20651830)

Molecular Diagnostics Lab, Nemours Children's Health, Delaware
Classification: Likely pathogenic for 3-Methylglutaconic aciduria type 2. Last evaluated: 2023-02-02. Review status: criteria provided, single submitter. Criteria: ACMG Guidelines, 2015. Collection method: clinical testing. Allele origin: maternal, unknown. Inheritance: X-linked inheritance. Affected: yes and no. Observed: 2 heterozygotes, 1 hemizygote.

OMIM
Classification: Pathogenic for BARTH SYNDROME. Last evaluated: 1997-11-01. Review status: no assertion criteria provided. Collection method: literature only. Allele origin: germline. Not counted in ClinVar's aggregate classification.

Literature cited by the submitters: PubMed 9345098 (cited by Molecular Diagnostics Lab, Nemours Children's Health, Delaware and OMIM); PubMed 1719174 (cited by Molecular Diagnostics Lab, Nemours Children's Health, Delaware and OMIM); PubMed 14662265 (cited by Molecular Diagnostics Lab, Nemours Children's Health, Delaware).